The following is an entry in ClinVar:

NM_182548.4(LHFPL5):c.504C>G (p.Tyr168Ter)

Gene: LHFPL5 (LHFPL tetraspan subfamily member 5; plus strand). Cytogenetic location: 6p21.31.
Variant type: single nucleotide variant.
Coding change: c.504C>G on transcript NM_182548.4 (MANE Select); coding-DNA position 504, C replaced by G.
Protein change: p.Tyr168Ter; replaces tyrosine 168 with a stop codon.
Molecular consequence: nonsense.
Genome position (GRCh38, 1-based): chr6:35,814,637, C>G. VCF-style: chr6-35814637-C-G. GRCh37 (hg19) VCF-style: chr6-35782414-C-G.
Other names: short protein forms Y168*.
Identifiers: ClinVar variation 1064882 (VCV001064882.3), dbSNP rs1389821363, ClinGen allele CA363785930.
Genomic context (GRCh38, chr6:35,814,637, plus strand): 5'-CCCTGATGGTTGGGACTCAAGTGAGGTGCGGCGCATGTGTGGGGAGCAGACGGGCAAGTA[C>G]ACGCTGGGCCACTGCACCATCCGCTGGGCCTTCATGCTGGCCATCCTCAGCATTGGCGAC-3'

ClinVar aggregate classification (germline): Likely pathogenic (1 of 4 stars; one submission).

Conditions:
Hearing impairment. Also called: Impaired Hearing. Identifiers: MedGen C1384666, MONDO:0005365, HP:0000365.

Submission:

Department of Otolaryngology – Head & Neck Surgery, Cochlear Implant Center
Classification: Likely pathogenic for Hearing impairment. Last evaluated: 2021-04-12. Review status: criteria provided, single submitter. Criteria: ClinGen HL ACMG Specifications v1. Collection method: clinical testing. Allele origin: germline. Affected: yes.
Comment: PVS1_Strong, PM2_Moderate